The following is an entry in ClinVar:

ClinVar aggregate classification (germline): Uncertain significance. Review status: criteria provided, single submitter (1 of 4 stars). 2 submissions from 2 submitters: Uncertain significance (1). 1 of the submissions does not count toward it. Last evaluated 2025-12-16.

Conditions:
CEP170B-related disorder. Also called: CEP170B-related condition.

Allele frequency attached by ClinVar (database versions not stated): gnomAD exomes 0.00021; ExAC 0.00053; ESP Exome Variant Server 0.00117; gnomAD 0.00184; 1000 Genomes Project 0.00220; TOPMed 0.00220; 1000 Genomes Project 30x 0.00250.

Submissions (2):

Ambry Genetics
Classification: Uncertain significance. Last evaluated: 2025-12-16. Review status: criteria provided, single submitter. Criteria: Ambry Variant Classification Scheme 2023. Collection method: clinical testing. Allele origin: germline.

PreventionGenetics, part of Exact Sciences
Classification: Likely benign for CEP170B-related condition. Last evaluated: 2019-10-31. Review status: no assertion criteria provided. Collection method: clinical testing. Allele origin: germline. Not counted in ClinVar's aggregate classification.
Comment: This variant is classified as likely benign based on ACMG/AMP sequence variant interpretation guidelines (Richards et al. 2015 PMID: 25741868, with internal and published modifications).

NM_001112726.3(CEP170B):c.1439C>T (p.Ser480Leu)

Gene: CEP170B (centrosomal protein 170B; plus strand). Cytogenetic location: 14q32.33.
Variant type: single nucleotide variant.
Coding change: c.1439C>T on transcript NM_001112726.3 (MANE Select); coding-DNA position 1439, C replaced by T.
Protein change: p.Ser480Leu; replaces serine 480 with leucine.
Molecular consequence: missense variant.
Genome position (GRCh38, 1-based): chr14:104,884,218, C>T. VCF-style: chr14-104884218-C-T. GRCh37 (hg19) VCF-style: chr14-105350555-C-T.
Other names: c.1229C>T, p.Ser410Leu (NM_015005.3); short protein forms S410L, S480L.
Identifiers: ClinVar variation 3040801 (VCV003040801.3), dbSNP rs367947710, ClinGen allele CA7375593.